The following is an entry in ClinVar:

NM_000059.4(BRCA2):c.8686C>A (p.Arg2896Ser)

Gene: BRCA2 (BRCA2 DNA repair associated; plus strand). Cytogenetic location: 13q13.1.
Variant type: single nucleotide variant.
Coding change: c.8686C>A on transcript NM_000059.4 (MANE Select); coding-DNA position 8686, C replaced by A.
Protein change: p.Arg2896Ser; replaces arginine 2896 with serine.
Molecular consequence: missense variant.
Genome position (GRCh38, 1-based): chr13:32,376,723, C>A. VCF-style: chr13-32376723-C-A. GRCh37 (hg19) VCF-style: chr13-32950860-C-A.
Other names: short protein forms R2896S.
Identifiers: ClinVar variation 645800 (VCV000645800.14), dbSNP rs373203204, ClinGen allele CA387754792.

ClinVar aggregate classification (germline): Conflicting classifications of pathogenicity. Review status: criteria provided, conflicting classifications (1 of 4 stars). 2 submissions from 2 submitters: Uncertain significance (1); Benign (1). Last evaluated 2025-05-23.

Conditions:
Hereditary cancer-predisposing syndrome. Also called: Hereditary Cancer Syndrome; Tumor predisposition; Hereditary neoplastic syndrome; Neoplastic Syndromes, Hereditary. Identifiers: Orphanet 140162, MedGen C0027672, MeSH D009386, MONDO:0015356.
Hereditary breast ovarian cancer syndrome. Also called: Hereditary breast and ovarian cancer; Hereditary breast and ovarian cancer syndrome; BRCA1- and BRCA2-Associated Hereditary Breast and Ovarian Cancer; Hereditary breast and ovarian cancer syndrome (HBOC); Breast and ovarian cancer; Hereditary breast and/or ovarian cancer syndrome. Identifiers: Orphanet 145, MedGen C0677776, MeSH D061325, MONDO:0003582. Disease mechanism: loss of function.

Allele frequency attached by ClinVar (database versions not stated): TOPMed 0.00001.
gnomAD v4.1: 4 of 1,614,092 alleles (0.00025%); highest among the groups gnomAD compares: Non-Finnish European, 0.00034%; no homozygotes.

Submissions (2):

Ambry Genetics
Classification: Benign for Hereditary cancer-predisposing syndrome. Last evaluated: 2025-05-23. Review status: criteria provided, single submitter. Criteria: Ambry Variant Classification Scheme 2023. Collection method: clinical testing. Allele origin: germline.

Labcorp Genetics (formerly Invitae), Labcorp
Classification: Uncertain significance for Hereditary breast ovarian cancer syndrome. Last evaluated: 2024-08-29. Review status: criteria provided, single submitter. Criteria: Invitae Variant Classification Sherloc (09022015). Collection method: clinical testing. Allele origin: germline.
Comment: This sequence change replaces arginine, which is basic and polar, with serine, which is neutral and polar, at codon 2896 of the BRCA2 protein (p.Arg2896Ser). This variant is not present in population databases (gnomAD no frequency). This variant has not been reported in the literature in individuals affected with BRCA2-related conditions. ClinVar contains an entry for this variant (Variation ID: 645800). Invitae Evidence Modeling of protein sequence and biophysical properties (such as structural, functional, and spatial information, amino acid conservation, physicochemical variation, residue mobility, and thermodynamic stability) indicates that this missense variant is not expected to disrupt BRCA2 protein function with a negative predictive value of 95%. In summary, the available evidence is currently insufficient to determine the role of this variant in disease. Therefore, it has been classified as a Variant of Uncertain Significance.